The following is an entry in ClinVar:

NM_001378454.1(ALMS1):c.2249C>T (p.Ala750Val)

Gene: ALMS1 (ALMS1 centrosome and basal body associated protein; plus strand). Cytogenetic location: 2p13.1.
Variant type: single nucleotide variant.
Coding change: c.2249C>T on transcript NM_001378454.1 (MANE Select); coding-DNA position 2249, C replaced by T.
Protein change: p.Ala750Val; replaces alanine 750 with valine.
Molecular consequence: missense variant.
Genome position (GRCh38, 1-based): chr2:73,448,776, C>T. VCF-style: chr2-73448776-C-T. GRCh37 (hg19) VCF-style: chr2-73675903-C-T.
Other names: c.2252C>T, p.Ala751Val (NM_015120.4); short protein forms A750V, A751V.
Identifiers: ClinVar variation 1460632 (VCV001460632.6), dbSNP rs2103774445, ClinGen allele CA347267383.

ClinVar aggregate classification (germline): Uncertain significance (1 of 4 stars; one submission).

Conditions:
Alstrom syndrome (ALMS). Identifiers: Orphanet 64, MedGen C0268425, MONDO:0008763, OMIM 203800.

Allele frequency attached by ClinVar (database versions not stated): gnomAD exomes below 0.00001.
gnomAD v4.1: 1 of 1,614,118 alleles (0.000062%); highest among the groups gnomAD compares: South Asian, 0.0011%; no homozygotes.

Submission:

Labcorp Genetics (formerly Invitae), Labcorp
Classification: Uncertain significance for Alstrom syndrome. Last evaluated: 2022-07-12. Review status: criteria provided, single submitter. Criteria: Invitae Variant Classification Sherloc (09022015). Collection method: clinical testing. Allele origin: germline.
Comment: This variant has not been reported in the literature in individuals affected with ALMS1-related conditions. In summary, the available evidence is currently insufficient to determine the role of this variant in disease. Therefore, it has been classified as a Variant of Uncertain Significance. Experimental studies and prediction algorithms are not available or were not evaluated, and the functional significance of this variant is currently unknown. ClinVar contains an entry for this variant (Variation ID: 1460632). This variant is not present in population databases (gnomAD no frequency). This sequence change replaces alanine, which is neutral and non-polar, with valine, which is neutral and non-polar, at codon 751 of the ALMS1 protein (p.Ala751Val).